The following is an entry in ClinVar:

NM_139276.3(STAT3):c.1827A>T (p.Arg609Ser)

Gene: STAT3 (signal transducer and activator of transcription 3; minus strand). Cytogenetic location: 17q21.2.
Variant type: single nucleotide variant.
Coding change: c.1827A>T on transcript NM_139276.3 (MANE Select); coding-DNA position 1827, A replaced by T.
Protein change: p.Arg609Ser; replaces arginine 609 with serine.
Molecular consequence: missense variant.
Genome position (GRCh38, 1-based): chr17:42,323,065, T>A on the plus strand (A>T on the coding strand, the complement: STAT3 is on the minus strand). VCF-style: chr17-42323065-T-A. GRCh37 (hg19) VCF-style: chr17-40475083-T-A.
Other names: c.1827A>T, p.Arg609Ser (NM_001369512.1, NM_001369513.1, NM_001369514.1 and 9 more transcripts); c.1743A>T, p.Arg581Ser (NM_001384984.1); c.1749A>T, p.Arg583Ser (NM_001384985.1); c.1842A>T, p.Arg614Ser (NM_001384986.1, NM_001384990.1); c.1806A>T, p.Arg602Ser (NM_001384987.1); c.1731A>T, p.Arg577Ser (NM_001384989.1); c.1800A>T, p.Arg600Ser (NM_001384991.1); c.1767A>T, p.Arg589Ser (NM_001384992.1); short protein forms R577S, R581S, R583S, R589S, R600S, R602S, R609S, R614S.
Identifiers: ClinVar variation 1057969 (VCV001057969.9), dbSNP rs1064122, ClinGen allele CA399582939.

ClinVar aggregate classification (germline): Uncertain significance (1 of 4 stars; one submission).

Conditions:
STAT3 gain of function. Identifiers: MedGen C4288261.
Hyper-IgE recurrent infection syndrome 1, autosomal dominant. Also called: JOB SYNDROME; STAT3 Hyper IgE Syndrome; Job's Syndrome; Hyper-IgE recurrent infection syndrome 1; HYPER-IgE SYNDROME 1, AUTOSOMAL DOMINANT, WITH RECURRENT INFECTIONS. Identifiers: Orphanet 2314, MedGen C2936739, MONDO:0007818, OMIM 147060.

Submission:

Labcorp Genetics (formerly Invitae), Labcorp
Classification: Uncertain significance for STAT3 gain of function; Hyper-IgE recurrent infection syndrome 1, autosomal dominant. Last evaluated: 2020-04-14. Review status: criteria provided, single submitter. Criteria: Invitae Variant Classification Sherloc (09022015). Collection method: clinical testing. Allele origin: germline.
Comment: This sequence change replaces arginine with serine at codon 609 of the STAT3 protein (p.Arg609Ser). The arginine residue is highly conserved and there is a moderate physicochemical difference between arginine and serine. In summary, the available evidence is currently insufficient to determine the role of this variant in disease. Therefore, it has been classified as a Variant of Uncertain Significance. This variant disrupts the p.Arg609 amino acid residue in STAT3. Other variant(s) that disrupt this residue have been observed in individuals with STAT3-related conditions (PMID: 23659370), which suggests that this may be a clinically significant amino acid residue. Algorithms developed to predict the effect of missense changes on protein structure and function are either unavailable or do not agree on the potential impact of this missense change (SIFT: "Deleterious"; PolyPhen-2: "Possibly Damaging"; Align-GVGD: "Class C0"). This variant has been observed in individual(s) with autosomal dominant hyper IgE syndrome (PMID: 28197791). This variant is not present in population databases (ExAC no frequency).

Literature cited by the submitters: PubMed 23659370; PubMed 28197791.